The following is an entry in ClinVar:

NM_001368397.1(FRMPD4):c.556A>G (p.Ile186Val)

Gene: FRMPD4 (FERM and PDZ domain containing 4; plus strand). Cytogenetic location: Xp22.2.
Variant type: single nucleotide variant.
Coding change: c.556A>G on transcript NM_001368397.1 (MANE Select); coding-DNA position 556, A replaced by G.
Protein change: p.Ile186Val; replaces isoleucine 186 with valine.
Molecular consequence: missense variant.
Genome position (GRCh38, 1-based): chrX:12,683,570, A>G. VCF-style: chrX-12683570-A-G. GRCh37 (hg19) VCF-style: chrX-12701689-A-G.
Other names: c.667A>G, p.Ile223Val (NM_001368395.3, NM_001368398.3); c.562A>G, p.Ile188Val (NM_001368396.3); c.547A>G, p.Ile183Val (NM_001368399.3); c.436A>G, p.Ile146Val (NM_001368400.3); c.532A>G, p.Ile178Val (NM_001368401.1, NM_001368402.3); c.556A>G, p.Ile186Val (NM_014728.3); short protein forms I146V, I178V, I183V, I186V, I188V, I223V.
Identifiers: ClinVar variation 4534759 (VCV004534759.6).
Genomic context (GRCh38, chrX:12,683,570, plus strand): 5'-GCAAAAAAGGCAAGATTAAAGTCCAATCCTGTCAAAGTACGCTTCTCTGAGGAGGTCATC[A>G]TCAACGGCCAAGTGTCGGTGAGTTTACAGTCACCTGCTTTGTGACTCAGGGAGAGTCAAT-3'
Protein context (NP_001355326.1, residues 176-196): VKVRFSEEVI[Ile186Val]NGQVSETVKD

ClinVar aggregate classification (germline): Uncertain significance (1 of 4 stars; one submission).

Submission:

CeGaT Center for Human Genetics Tuebingen
Classification: Uncertain significance. Last evaluated: 2025-11-01. Review status: criteria provided, single submitter. Criteria: CeGaT Center For Human Genetics Tuebingen Variant Classification Criteria Version 2. Collection method: clinical testing. Allele origin: germline. Affected: yes. Observed: 1 variant allele.
Comment: FRMPD4: PM2